The following is an entry in ClinVar:

NC_000012.11:g.(?_32945358)_(32949252_?)dup

Gene: PKP2 (plakophilin 2; minus strand). Cytogenetic location: 12p11.21.
Variant type: Duplication.
Identifiers: ClinVar variation 1429390 (VCV001429390.5).

ClinVar aggregate classification (germline): Uncertain significance (1 of 4 stars; one submission).

Conditions:
Arrhythmogenic right ventricular dysplasia 9 (ARVD9). Also called: ARRHYTHMOGENIC RIGHT VENTRICULAR DYSPLASIA, FAMILIAL, 9; Arrhythmogenic Right Ventricular Dysplasia/Cardiomyopathy 9. Identifiers: MedGen C1836906, MONDO:0012180, OMIM 609040.

Submission:

Labcorp Genetics (formerly Invitae), Labcorp
Classification: Uncertain significance for Arrhythmogenic right ventricular dysplasia 9. Last evaluated: 2023-05-23. Review status: criteria provided, single submitter. Criteria: Invitae Variant Classification Sherloc (09022015). Collection method: clinical testing. Allele origin: germline.
Comment: In summary, the available evidence is currently insufficient to determine the role of this variant in disease. Therefore, it has been classified as a Variant of Uncertain Significance. Experimental studies and prediction algorithms are not available or were not evaluated, and the functional significance of this variant is currently unknown. This variant has not been reported in the literature in individuals affected with PKP2-related conditions. This variant results in a copy number gain of the genomic region encompassing exon(s) 12-14 of the PKP2 gene. This region includes the termination codon of the gene. This copy number gain extends beyond the assayed region for this gene and therefore may encompass additional genes. As the precise location of this event is unknown, it may be in tandem or it may be located elsewhere in the genome.